The following is an entry in ClinVar:

NM_002470.4(MYH3):c.4378_4379del (p.Lys1460fs)

Genes: MYH3 (myosin heavy chain 3; minus strand), LOC130060295 (ATAC-STARR-seq lymphoblastoid active region 11731; plus strand). Cytogenetic location: 17p13.1.
Variant type: Deletion.
Coding change: c.4378_4379del on transcript NM_002470.4 (MANE Select); coding-DNA positions 4378 to 4379, 2 bases deleted (AA; older notation c.4378_4379delAA).
Protein change: p.Lys1460fs; shifts the reading frame from lysine 1460.
Molecular consequence: frameshift variant.
Genome position (GRCh38, 1-based): chr17:10,634,160-10,634,161, TT deleted on the plus strand (AA on the coding strand, the reverse complement: MYH3 is on the minus strand); deleting any 2 consecutive bases within chr17:10,634,160-10,634,162 gives the same sequence; the c. name uses the placement nearest the transcript's 3' end. VCF-style (leftmost placement, unchanged base first): chr17-10634159-CTT-C. GRCh37 (hg19) VCF-style: chr17-10537476-CTT-C.
Other names: short protein forms K1460fs.
Identifiers: ClinVar variation 2029328 (VCV002029328.4), dbSNP rs2074191627, ClinGen allele CA2247325791.
Genomic context (GRCh38, chr17:10,634,159, plus strand): 5'-AGTGCTCAAGGAGCGGGACTCCTTCAGGGATGCCTCCAGCTCTGCTTGGCTCTCCTCACA[CTT>C]TGTCTTCCACTCTGCCAACACCTGAAACACCGGACGGAAGTTCTCTCCGTTTCTGAGCTC-3'

ClinVar aggregate classification (germline): Pathogenic (1 of 4 stars; one submission).

Submission:

Labcorp Genetics (formerly Invitae), Labcorp
Classification: Pathogenic. Last evaluated: 2022-09-16. Review status: criteria provided, single submitter. Criteria: Invitae Variant Classification Sherloc (09022015). Collection method: clinical testing. Allele origin: germline.
Comment: For these reasons, this variant has been classified as Pathogenic. This variant has not been reported in the literature in individuals affected with MYH3-related conditions. This variant is not present in population databases (gnomAD no frequency). This sequence change creates a premature translational stop signal (p.Lys1460Valfs*2) in the MYH3 gene. It is expected to result in an absent or disrupted protein product. Loss-of-function variants in MYH3 are known to be pathogenic (PMID: 29805041, 30008475).

Literature cited by the submitters: PubMed 29805041; PubMed 30008475.